The following is an entry in ClinVar:

NM_000987.5(RPL26):c.341del (p.Asp114fs)

Gene: RPL26 (ribosomal protein L26; minus strand). Cytogenetic location: 17p13.1.
Variant type: Deletion.
Coding change: c.341del on transcript NM_000987.5 (MANE Select); coding-DNA position 341, one base deleted (A; older notation c.341delA).
Protein change: p.Asp114fs; shifts the reading frame from aspartic acid 114.
Molecular consequence: frameshift variant.
Genome position (GRCh38, 1-based): chr17:8,377,661, T deleted on the plus strand (A on the coding strand, the reverse complement: RPL26 is on the minus strand). VCF-style (leftmost placement, unchanged base first): chr17-8377660-GT-G. GRCh37 (hg19) VCF-style: chr17-8280978-GT-G.
Other names: c.341delA (NM_000987.5); c.341del, p.Asp114fs (NM_001315530.2, NM_001315531.2); short protein forms D114fs.
Identifiers: ClinVar variation 1339822 (VCV001339822.3), dbSNP rs2151671987, ClinGen allele CA2573054618.

ClinVar aggregate classification (germline): Pathogenic (0 of 4 stars; one submission).

Conditions:
Diamond-Blackfan anemia 11 (DBA11). Also called: RPL26-Related Diamond-Blackfan Anemia. Identifiers: Orphanet 124, MedGen C3554042, MONDO:0013964, OMIM 614900.

Submission:

OMIM
Classification: Pathogenic for DIAMOND-BLACKFAN ANEMIA 11. Last evaluated: 2026-04-27. Review status: no assertion criteria provided. Collection method: literature only. Allele origin: germline.

Literature cited by the submitters: PubMed 39710607 (cited by OMIM).